The following is an entry in ClinVar:

ClinVar aggregate classification (germline): Uncertain significance (1 of 4 stars; one submission).

Submission:

Labcorp Genetics (formerly Invitae), Labcorp
Classification: Uncertain significance. Last evaluated: 2022-04-26. Review status: criteria provided, single submitter. Criteria: Invitae Variant Classification Sherloc (09022015). Collection method: clinical testing. Allele origin: germline.
Comment: In summary, the available evidence is currently insufficient to determine the role of this variant in disease. Therefore, it has been classified as a Variant of Uncertain Significance. Algorithms developed to predict the effect of missense changes on protein structure and function are either unavailable or do not agree on the potential impact of this missense change (SIFT: "Deleterious"; PolyPhen-2: "Possibly Damaging"; Align-GVGD: "Class C0"). This variant has not been reported in the literature in individuals affected with TTC37-related conditions. This variant is not present in population databases (gnomAD no frequency). This sequence change replaces phenylalanine, which is neutral and non-polar, with leucine, which is neutral and non-polar, at codon 1492 of the TTC37 protein (p.Phe1492Leu).

NM_014639.4(SKIC3):c.4476C>G (p.Phe1492Leu)

Gene: SKIC3 (SKI3 subunit of superkiller complex; minus strand). Cytogenetic location: 5q15.
Variant type: single nucleotide variant.
Coding change: c.4476C>G on transcript NM_014639.4 (MANE Select); coding-DNA position 4476, C replaced by G.
Protein change: p.Phe1492Leu; replaces phenylalanine 1492 with leucine.
Molecular consequence: missense variant.
Genome position (GRCh38, 1-based): chr5:95,469,800, G>C on the plus strand (C>G on the coding strand, the complement: SKIC3 is on the minus strand). VCF-style: chr5-95469800-G-C. GRCh37 (hg19) VCF-style: chr5-94805504-G-C.
Other names: short protein forms F1492L.
Identifiers: ClinVar variation 2130824 (VCV002130824.4), dbSNP rs1311590757, ClinGen allele CA360439074.
Genomic context (GRCh38, chr5:95,469,800, plus strand): 5'-GAAGAAGCATTTATAAGAAAAAGATGAAGATTCTTCATACCTTGCCCCCATTTTGCGTTT[G>C]AATTGTAACAAAGCTTGTAAAAGAACAGCCAGTGGACAAAAGCAAAGCTTCAAGGCCTCA-3'
Protein context (NP_055454.1, residues 1482-1502): LAVLLQALLQ[Phe1492Leu]KRKMGARETR